The following is an entry in ClinVar:

ClinVar aggregate classification (germline): Pathogenic (1 of 4 stars; one submission).

Allele frequency attached by ClinVar (database versions not stated): gnomAD exomes below 0.00001; TOPMed below 0.00001.

Submission:

Labcorp Genetics (formerly Invitae), Labcorp
Classification: Pathogenic. Last evaluated: 2022-03-03. Review status: criteria provided, single submitter. Criteria: Invitae Variant Classification Sherloc (09022015). Collection method: clinical testing. Allele origin: germline.
Comment: This sequence change creates a premature translational stop signal (p.Arg407Glnfs*8) in the CDHR1 gene. It is expected to result in an absent or disrupted protein product. Loss-of-function variants in CDHR1 are known to be pathogenic (PMID: 23044944, 23591405, 26103963, 26261414). This variant is not present in population databases (gnomAD no frequency). For these reasons, this variant has been classified as Pathogenic. This variant has not been reported in the literature in individuals affected with CDHR1-related conditions.

Literature cited by the submitters: PubMed 23044944; PubMed 23591405; PubMed 26103963; PubMed 26261414.

NM_033100.4(CDHR1):c.1220del (p.Arg407fs)

Gene: CDHR1 (cadherin related family member 1; plus strand). Cytogenetic location: 10q23.1.
Variant type: Deletion.
Coding change: c.1220del on transcript NM_033100.4 (MANE Select); coding-DNA position 1220, one base deleted (G; older notation c.1220delG).
Protein change: p.Arg407fs; shifts the reading frame from arginine 407.
Molecular consequence: frameshift variant.
Genome position (GRCh38, 1-based): chr10:84,208,781, G deleted. VCF-style (leftmost placement, unchanged base first): chr10-84208780-CG-C. GRCh37 (hg19) VCF-style: chr10-85968536-CG-C.
Other names: c.1220del, p.Arg407fs (NM_001171971.3); short protein forms R407fs.
Identifiers: ClinVar variation 1451292 (VCV001451292.6), dbSNP rs1842277745, ClinGen allele CA470504289.